The following is an entry in ClinVar:

NM_001371623.1(TCOF1):c.3538A>T (p.Thr1180Ser)

Gene: TCOF1 (treacle ribosome biogenesis factor 1; plus strand). Cytogenetic location: 5q32.
Variant type: single nucleotide variant.
Coding change: c.3538A>T on transcript NM_001371623.1 (MANE Select); coding-DNA position 3538, A replaced by T.
Protein change: p.Thr1180Ser; replaces threonine 1180 with serine.
Molecular consequence: missense variant.
Genome position (GRCh38, 1-based): chr5:150,392,725, A>T. VCF-style: chr5-150392725-A-T. GRCh37 (hg19) VCF-style: chr5-149772288-A-T.
Other names: c.3304A>T, p.Thr1102Ser (NM_000356.4); c.3535A>T, p.Thr1179Ser (NM_001135243.2); c.3424A>T, p.Thr1142Ser (NM_001135244.2); c.3307A>T, p.Thr1103Ser (NM_001135245.2); c.3421A>T, p.Thr1141Ser (NM_001195141.2); short protein forms T1103S, T1142S, T1102S, T1179S, T1141S, T1180S.
Identifiers: ClinVar variation 772222 (VCV000772222.10), dbSNP rs144793475, ClinGen allele CA3511536.

ClinVar aggregate classification (germline): Benign/Likely benign. Review status: criteria provided, multiple submitters, no conflicts (2 of 4 stars). 2 submissions from 2 submitters: Benign (1); Likely benign (1). Last evaluated 2025-07-15.

Conditions:
Treacher Collins syndrome 1 (TCS1). Also called: TCOF1-Related Treacher Collins Syndrome. Identifiers: Orphanet 861, MedGen CN315775, MONDO:0007944, OMIM 154500.

Allele frequency attached by ClinVar (database versions not stated): gnomAD exomes 0.00004 and 0.00011; ExAC 0.00013; 1000 Genomes Project 30x 0.00016; 1000 Genomes Project 0.00020; gnomAD 0.00048 and 0.00053; ESP Exome Variant Server 0.00054; TOPMed 0.00059.
gnomAD v4.1: 137 of 1,614,068 alleles (0.0085%); highest among the groups gnomAD compares: African/African-American, 0.15%; no homozygotes.

Submissions (2):

Labcorp Genetics (formerly Invitae), Labcorp
Classification: Likely benign for Treacher Collins syndrome 1. Last evaluated: 2025-07-15. Review status: criteria provided, single submitter. Criteria: Invitae Variant Classification Sherloc (09022015). Collection method: clinical testing. Allele origin: germline.

GeneDx
Classification: Benign. Last evaluated: 2021-03-30. Review status: criteria provided, single submitter. Criteria: GeneDx Variant Classification Process June 2021. Collection method: clinical testing. Allele origin: germline. Affected: yes.
Comment: This variant is associated with the following publications: (PMID: 28065470)